The following is an entry in ClinVar:

NM_000051.4(ATM):c.8636dup (p.Asn2879fs)

Genes: ATM (ATM serine/threonine kinase; plus strand), C11orf65 (chromosome 11 open reading frame 65; minus strand). Cytogenetic location: 11q22.3.
Variant type: Duplication.
Coding change: c.8636dup on transcript NM_000051.4 (MANE Select); coding-DNA position 8636, one base duplicated (A; older notation c.8636dupA).
Protein change: p.Asn2879fs; shifts the reading frame from asparagine 2879.
Molecular consequence: frameshift variant. On other transcripts: intron variant (2).
Genome position (GRCh38, 1-based): chr11:108,347,330, A duplicated; the last of 3 consecutive A bases (chr11:108,347,328-108,347,330); duplicating any one gives the same sequence. VCF-style (leftmost placement, unchanged base first): chr11-108347327-T-TA. GRCh37 (hg19) VCF-style: chr11-108218054-T-TA.
Other names: c.8636dup, p.Asn2879fs (NM_001351834.2); c.641-38257dup (NM_001330368.2); c.695-12036dup (NM_001351110.2); short protein forms N2879fs.
Identifiers: ClinVar variation 1074742 (VCV001074742.8), dbSNP rs2137082728, ClinGen allele CA2499220731.

ClinVar aggregate classification (germline): Pathogenic (1 of 4 stars; one submission).

Conditions:
Ataxia-telangiectasia syndrome (AT). Also called: Ataxia telangiectasia (A-T); ATAXIA-TELANGIECTASIA, COMPLEMENTATION GROUP A; ATAXIA-TELANGIECTASIA, FRESNO VARIANT; Ataxia-telangiectasia; Ataxia-telangiectasia, complementation group E; LOUIS-BAR SYNDROME. Identifiers: Orphanet 100, MedGen C0004135, MONDO:0008840, OMIM 208900.

Submission:

Labcorp Genetics (formerly Invitae), Labcorp
Classification: Pathogenic for Ataxia-telangiectasia syndrome. Last evaluated: 2020-07-01. Review status: criteria provided, single submitter. Criteria: Invitae Variant Classification Sherloc (09022015). Collection method: clinical testing. Allele origin: germline.
Comment: For these reasons, this variant has been classified as Pathogenic. Loss-of-function variants in ATM are known to be pathogenic (PMID: 23807571, 25614872). This variant has not been reported in the literature in individuals with ATM-related conditions. This variant is not present in population databases (ExAC no frequency). This sequence change creates a premature translational stop signal (p.Asn2879Lysfs*2) in the ATM gene. It is expected to result in an absent or disrupted protein product.

Literature cited by the submitters: PubMed 23807571; PubMed 25614872.